The following is an entry in ClinVar:

ClinVar aggregate classification (germline): Uncertain significance (1 of 4 stars; one submission).

Submission:

Labcorp Genetics (formerly Invitae), Labcorp
Classification: Uncertain significance. Last evaluated: 2020-10-25. Review status: criteria provided, single submitter. Criteria: Invitae Variant Classification Sherloc (09022015). Collection method: clinical testing. Allele origin: germline.
Comment: This variant is not present in population databases (ExAC no frequency). In summary, the available evidence is currently insufficient to determine the role of this variant in disease. Therefore, it has been classified as a Variant of Uncertain Significance. Algorithms developed to predict the effect of missense changes on protein structure and function are either unavailable or do not agree on the potential impact of this missense change (SIFT: "Deleterious"; PolyPhen-2: "Probably Damaging"; Align-GVGD: "Class C0"). This variant has not been reported in the literature in individuals with CTNNA1-related conditions. This sequence change replaces glycine with alanine at codon 811 of the CTNNA1 protein (p.Gly811Ala). The glycine residue is highly conserved and there is a small physicochemical difference between glycine and alanine.

NM_001903.5(CTNNA1):c.2432G>C (p.Gly811Ala)

Gene: CTNNA1 (catenin alpha 1; plus strand). Cytogenetic location: 5q31.2.
Variant type: single nucleotide variant.
Coding change: c.2432G>C on transcript NM_001903.5 (MANE Select); coding-DNA position 2432, G replaced by C.
Protein change: p.Gly811Ala; replaces glycine 811 with alanine.
Molecular consequence: missense variant. On other transcripts: intron variant (1).
Genome position (GRCh38, 1-based): chr5:138,932,711, G>C. VCF-style: chr5-138932711-G-C. GRCh37 (hg19) VCF-style: chr5-138268400-G-C.
Other names: c.2432G>C, p.Gly811Ala (NM_001290307.3, NM_001323982.2, NM_001323983.1 and 2 more transcripts); c.2123G>C, p.Gly708Ala (NM_001290309.3); c.2063G>C, p.Gly688Ala (NM_001290310.3); c.1322G>C, p.Gly441Ala (NM_001290312.1, NM_001323987.1, NM_001323988.1 and 16 more transcripts); c.2339G>C, p.Gly780Ala (NM_001323986.2); c.983G>C, p.Gly328Ala (NM_001324006.1, NM_001324007.1, NM_001324008.1 and 2 more transcripts); c.1229G>C, p.Gly410Ala (NM_001324011.1); c.1079G>C, p.Gly360Ala (NM_001324012.1, NM_001324013.1); and 1 more; short protein forms G328A, G360A, G410A, G441A, G688A, G708A, G780A, G811A.
Identifiers: ClinVar variation 1018746 (VCV001018746.8), dbSNP rs1765631482, ClinGen allele CA361134574.